The following is an entry in ClinVar:

NM_001009944.3(PKD1):c.3162-5G>A

Gene: PKD1 (polycystin 1, transient receptor potential channel interacting; minus strand). Cytogenetic location: 16p13.3.
Variant type: single nucleotide variant.
Coding change: c.3162-5G>A on transcript NM_001009944.3 (MANE Select); 5 bases into the intron before coding-DNA position 3162, G replaced by A.
Molecular consequence: intron variant.
Genome position (GRCh38, 1-based): chr16:2,112,478, C>T on the plus strand (G>A on the coding strand, the complement: PKD1 is on the minus strand). VCF-style: chr16-2112478-C-T. GRCh37 (hg19) VCF-style: chr16-2162479-C-T.
Other names: c.3162-5G>A (NM_000296.4).
Identifiers: ClinVar variation 5005537 (VCV005005537.2).
Genomic context (GRCh38, chr16:2,112,478, plus strand): 5'-CGTTGTACGGAGGCTGGAACTGGTGGAGGGCCTGCTCCCCATCCCCAAAGGTCCACCTGC[C>T]GGGGCGGTGGGACGCAGTGAGTGAACCGGGACAGGGGTGGGCGGTGGCGGGGCAGGGGGT-3'

ClinVar aggregate classification (germline): Uncertain significance (1 of 4 stars; one submission).

Conditions:
Polycystic kidney disease, adult type (PKD1). Also called: POLYCYSTIC KIDNEY DISEASE, ADULT, TYPE I; Polycystic Kidney, Autosomal Dominant; Polycystic Kidney Disease 1, Autosomal Dominant; Polycystic kidney disease 1; Polycystic kidney disease 1, severe; POLYCYSTIC KIDNEY DISEASE 1 WITH OR WITHOUT POLYCYSTIC LIVER DISEASE. Identifiers: MedGen C3149841, MONDO:0008263, OMIM 173900.

gnomAD v4.1: 7 of 1,565,738 alleles (0.00045%); highest among the groups gnomAD compares: African/African-American, 0.0068%; no homozygotes.

Submission:

Juno Genomics, Hangzhou Juno Genomics, Inc
Classification: Uncertain significance for Polycystic kidney disease, adult type. Review status: criteria provided, single submitter. Criteria: ACMG Guidelines, 2015. Collection method: clinical testing. Allele origin: germline.
Comment: Absent from controls (or at extremely low frequency if recessive) in Genome Aggregation Database.;Multiple lines of computational evidence support a deleterious effect on the gene or gene product.